The following is an entry in ClinVar:

ClinVar aggregate classification (germline): Conflicting classifications of pathogenicity. Review status: criteria provided, conflicting classifications (1 of 4 stars). 8 submissions from 8 submitters: Uncertain significance (7); Likely benign (1). Last evaluated 2026-04-15.

Conditions:
BRIP1-related disorder. Also called: BRIP1-related condition; BRIP1-related disorders. Identifiers: MedGen CN239206.
Hereditary cancer-predisposing syndrome. Also called: Tumor predisposition; Neoplastic Syndromes, Hereditary; Hereditary neoplastic syndrome; Hereditary Cancer Syndrome. Identifiers: Orphanet 140162, MedGen C0027672, MeSH D009386, MONDO:0015356.
Fanconi anemia complementation group J. Also called: BRIP1-Related Fanconi Anemia. Identifiers: Orphanet 84, MedGen C1836860, MONDO:0012187, OMIM 609054.
Familial cancer of breast. Also called: BREAST CANCER, FAMILIAL; Hereditary breast cancer; hereditary breast carcinoma. Identifiers: Orphanet 227535, MedGen C0346153, MONDO:0016419, OMIM 114480. Disease mechanism: loss of function.

Allele frequency attached by ClinVar (database versions not stated): gnomAD 0.00001; TOPMed 0.00001; ExAC 0.00002; gnomAD exomes 0.00002 and 0.00003.
gnomAD v4.1: 44 of 1,607,188 alleles (0.0027%); highest among the groups gnomAD compares: Non-Finnish European, 0.0034%; no homozygotes.

Submissions (8):

PreventionGenetics, part of Exact Sciences
Classification: Uncertain significance for BRIP1-related condition. Last evaluated: 2026-04-15. Review status: criteria provided, single submitter. Criteria: ACMG Guidelines, 2015. Collection method: clinical testing. Allele origin: germline.
Comment: The BRIP1 c.2902A>G variant is predicted to result in the amino acid substitution p.Lys968Glu. To our knowledge, this variant has not been reported in the literature. This variant is reported in 0.0035% of alleles in individuals of European (Non-Finnish) descent in gnomAD. This variant is classified as uncertain by the majority of clinical labs in ClinVar (Variation ID: 142732). At this time, the clinical significance of this variant is uncertain due to the absence of conclusive functional and genetic evidence.

Ambry Genetics
Classification: Uncertain significance for Hereditary cancer-predisposing syndrome. Last evaluated: 2026-02-13. Review status: criteria provided, single submitter. Criteria: Ambry Variant Classification Scheme 2023. Collection method: clinical testing. Allele origin: germline.
Comment: The p.K968E variant (also known as c.2902A>G), located in coding exon 18 of the BRIP1 gene, results from an A to G substitution at nucleotide position 2902. The lysine at codon 968 is replaced by glutamic acid, an amino acid with similar properties. This amino acid position is not well conserved in available vertebrate species. In addition, this alteration is predicted to be tolerated by in silico analysis. Since supporting evidence is limited at this time, the clinical significance of this alteration remains unclear.

Quest Diagnostics Nichols Institute San Juan Capistrano
Classification: Uncertain significance. Last evaluated: 2025-07-15. Review status: criteria provided, single submitter. Criteria: Quest Diagnostics criteria. Collection method: clinical testing. Allele origin: unknown.
Comment: The BRIP1 c.2902A>G (p.Lys968Glu) variant has been reported in the published literature in an individual with personal and/or family history of breast and/or ovarian cancer (PMID: 38874686 (2024)). The frequency of this variant in the general population (Genome Aggregation Database) is uninformative in the assessment of its pathogenicity. Analysis of this variant using bioinformatics tools for the prediction of the effect of amino acid changes on protein structure and function yielded predictions that this variant is benign. Based on the available information, we are unable to determine the clinical significance of this variant.

Labcorp Genetics (formerly Invitae), Labcorp
Classification: Uncertain significance for Familial cancer of breast; Fanconi anemia complementation group J. Last evaluated: 2025-01-12. Review status: criteria provided, single submitter. Criteria: Invitae Variant Classification Sherloc (09022015). Collection method: clinical testing. Allele origin: germline.
Comment: This sequence change replaces lysine, which is basic and polar, with glutamic acid, which is acidic and polar, at codon 968 of the BRIP1 protein (p.Lys968Glu). This variant is present in population databases (rs587782679, gnomAD 0.004%). This variant has not been reported in the literature in individuals affected with BRIP1-related conditions. ClinVar contains an entry for this variant (Variation ID: 142732). Invitae Evidence Modeling of protein sequence and biophysical properties (such as structural, functional, and spatial information, amino acid conservation, physicochemical variation, residue mobility, and thermodynamic stability) indicates that this missense variant is not expected to disrupt BRIP1 protein function with a negative predictive value of 95%. In summary, the available evidence is currently insufficient to determine the role of this variant in disease. Therefore, it has been classified as a Variant of Uncertain Significance.

Color Diagnostics, LLC DBA Color Health
Classification: Likely benign for Hereditary cancer-predisposing syndrome. Last evaluated: 2024-09-19. Review status: criteria provided, single submitter. Criteria: ACMG Guidelines, 2015. Collection method: clinical testing. Allele origin: germline.

Baylor Genetics
Classification: Uncertain significance for Familial cancer of breast. Last evaluated: 2023-07-14. Review status: criteria provided, single submitter. Criteria: ACMG Guidelines, 2015. Collection method: clinical testing. Allele origin: unknown.

Sema4
Classification: Uncertain significance for Hereditary cancer-predisposing syndrome. Last evaluated: 2021-11-01. Review status: criteria provided, single submitter. Criteria: Sema4 Curation Guidelines. Collection method: curation. Allele origin: germline.
Comment: To the best of our knowledge, the BRIP1 c.2902A>G (p.Lys968Glu) missense variant has not been reported in individuals with BRIP1-related disease. This variant was observed in 4/112952 chromosomes in the Non-Finnish European subpopulation, according to the Genome Aggregation Database (PMID: 27535533). In silico tools suggest the impact of the variant on protein function is benign, though these predictions have not been confirmed by functional studies. There is no indication that this variant causes disease, but the evidence is insufficient currently to prove that conclusively. Thus, the clinical significance of this variant is currently uncertain.

Mendelics
Classification: Uncertain significance for Familial cancer of breast. Last evaluated: 2019-05-28. Review status: criteria provided, single submitter. Criteria: Mendelics Assertion Criteria 2017. Collection method: clinical testing. Allele origin: unknown.

Literature cited by the submitters: PubMed 38874686 (cited by Quest Diagnostics Nichols Institute San Juan Capistrano).

NM_032043.3(BRIP1):c.2902A>G (p.Lys968Glu)

Gene: BRIP1 (BRCA1 interacting DNA helicase 1; minus strand). Cytogenetic location: 17q23.2.
Variant type: single nucleotide variant.
Coding change: c.2902A>G on transcript NM_032043.3 (MANE Select); coding-DNA position 2902, A replaced by G.
Protein change: p.Lys968Glu; replaces lysine 968 with glutamic acid.
Molecular consequence: missense variant.
Genome position (GRCh38, 1-based): chr17:61,685,839, T>C on the plus strand (A>G on the coding strand, the complement: BRIP1 is on the minus strand). VCF-style: chr17-61685839-T-C. GRCh37 (hg19) VCF-style: chr17-59763200-T-C.
Other names: short protein forms K968E.
Identifiers: ClinVar variation 142732 (VCV000142732.24), dbSNP rs587782679, ClinGen allele CA294472.